The following is an entry in ClinVar:

ClinVar aggregate classification (germline): Uncertain significance (1 of 4 stars; one submission).

Conditions:
Mucopolysaccharidosis, MPS-IV-A (MPS4A). Also called: Mucopolysaccharidosis type IV A; Mucopolysaccharidosis Type IVA; Morquio syndrome A, mild; MORQUIO SYNDROME A; MPS IVA; mucopolysaccharidosis type 4A. Identifiers: Orphanet 309297, Orphanet 582, MedGen C0086651, MONDO:0009659, OMIM 253000.

Allele frequency attached by ClinVar (database versions not stated): gnomAD exomes below 0.00001 and 0.00001.

Submission:

Laboratory of Diagnosis and Therapy of Lysosomal Disorders, University of Padova
Classification: Uncertain significance for Mucopolysaccharidosis, MPS-IV-A. Last evaluated: 2021-02-01. Review status: criteria provided, single submitter. Criteria: ACMG Guidelines, 2015. Collection method: research. Allele origin: germline. Affected: yes.
Comment: Very low frequency in gnomAD v2.1.1 (PM2_moderate)

Literature cited by the submitters: PubMed 34387910.

NM_000512.5(GALNS):c.1492C>T (p.Pro498Ser)

Gene: GALNS (galactosamine (N-acetyl)-6-sulfatase; minus strand). Cytogenetic location: 16q24.3.
Variant type: single nucleotide variant.
Coding change: c.1492C>T on transcript NM_000512.5 (MANE Select); coding-DNA position 1492, C replaced by T.
Protein change: p.Pro498Ser; replaces proline 498 with serine.
Molecular consequence: missense variant.
Genome position (GRCh38, 1-based): chr16:88,814,516, G>A on the plus strand (C>T on the coding strand, the complement: GALNS is on the minus strand). VCF-style: chr16-88814516-G-A. GRCh37 (hg19) VCF-style: chr16-88880924-G-A.
Other names: c.937C>T, p.Pro313Ser (NM_001323543.2); c.1510C>T, p.Pro504Ser (NM_001323544.2); short protein forms P313S, P498S, P504S.
Identifiers: ClinVar variation 1048339 (VCV001048339.3), dbSNP rs1454253268, ClinGen allele CA397092678.